The following is an entry in ClinVar:

ClinVar aggregate classification (germline): Benign/Likely benign. Review status: criteria provided, multiple submitters, no conflicts (2 of 4 stars). 5 submissions from 5 submitters: Benign (1); Likely benign (4). Last evaluated 2026-05-01.

Conditions:
SETD5-related disorder. Also called: SETD5-related disorders; SETD5-related condition.

Allele frequency attached by ClinVar (database versions not stated): ESP Exome Variant Server 0.00058; TOPMed 0.00062; gnomAD 0.00068 and 0.00072; ExAC 0.00077; gnomAD exomes 0.00102.

Submissions (5):

CeGaT Center for Human Genetics Tuebingen
Classification: Likely benign. Last evaluated: 2026-05-01. Review status: criteria provided, single submitter. Criteria: CeGaT Center For Human Genetics Tuebingen Variant Classification Criteria Version 2. Collection method: clinical testing. Allele origin: germline. Affected: yes. Observed: 3 variant alleles.
Comment: SETD5: BP4, BP7

Labcorp Genetics (formerly Invitae), Labcorp
Classification: Benign. Last evaluated: 2025-12-27. Review status: criteria provided, single submitter. Criteria: Invitae Variant Classification Sherloc (09022015). Collection method: clinical testing. Allele origin: germline.

PreventionGenetics, part of Exact Sciences
Classification: Likely benign for SETD5-related condition. Last evaluated: 2025-12-11. Review status: criteria provided, single submitter. Criteria: ACMG Guidelines, 2015. Collection method: clinical testing. Allele origin: germline.
Comment: This variant is classified as likely benign based on ACMG/AMP sequence variant interpretation guidelines (Richards et al. 2015 PMID: 25741868, with internal and published modifications).

GeneDx
Classification: Likely benign. Last evaluated: 2020-12-01. Review status: criteria provided, single submitter. Criteria: GeneDx Variant Classification Process June 2021. Collection method: clinical testing. Allele origin: germline. Affected: yes.

Breakthrough Genomics
Classification: Likely benign. Review status: criteria provided, single submitter. Criteria: ACMG Guidelines, 2015. Collection method: not provided. Allele origin: germline. Inheritance: Autosomal dominant inheritance. Affected: yes.

NM_001080517.3(SETD5):c.3891G>A (p.Thr1297=)

Gene: SETD5 (SET domain containing 5; plus strand). Cytogenetic location: 3p25.3.
Variant type: single nucleotide variant.
Coding change: c.3891G>A on transcript NM_001080517.3 (MANE Select); coding-DNA position 3891, G replaced by A.
Protein change: p.Thr1297=; no amino-acid change (threonine 1297 retained).
Molecular consequence: synonymous variant.
Genome position (GRCh38, 1-based): chr3:9,475,653, G>A. VCF-style: chr3-9475653-G-A. GRCh37 (hg19) VCF-style: chr3-9517337-G-A.
Other names: c.3597G>A, p.Thr1199= (NM_001292043.2, NM_001349451.2).
Identifiers: ClinVar variation 735800 (VCV000735800.39), dbSNP rs199989217, ClinGen allele CA2239823.
Genomic context (GRCh38, chr3:9,475,653, plus strand): 5'-TGCACTGAGACCTGGAAACCCCCCCTCTCACGGTTCTTCAGAATCATCCCTCTCTTCCAC[G>A]TCCTATTCCAGCCCCGCCCACCCTGTGTCCACAGACTCGTTGGCCCCATTTACGGGGACA-3'
Protein context (NP_001073986.1, residues 1287-1307): HGSSESSLSS[Thr1297=]SYSSPAHPVS